The following is an entry in ClinVar:

NM_000038.6(APC):c.2654C>T (p.Ala885Val)

Gene: APC (APC regulator of Wnt signaling pathway; plus strand). Cytogenetic location: 5q22.2.
Variant type: single nucleotide variant.
Coding change: c.2654C>T on transcript NM_000038.6 (MANE Select); coding-DNA position 2654, C replaced by T.
Protein change: p.Ala885Val; replaces alanine 885 with valine.
Molecular consequence: missense variant.
Genome position (GRCh38, 1-based): chr5:112,838,248, C>T. VCF-style: chr5-112838248-C-T. GRCh37 (hg19) VCF-style: chr5-112173945-C-T.
Other names: c.2654C>T, p.Ala885Val (NM_001127510.3, NM_001354895.2); c.2600C>T, p.Ala867Val (NM_001127511.3); c.2708C>T, p.Ala903Val (NM_001354896.2); c.2684C>T, p.Ala895Val (NM_001354897.2); c.2579C>T, p.Ala860Val (NM_001354898.2); c.2570C>T, p.Ala857Val (NM_001354899.2); c.2531C>T, p.Ala844Val (NM_001354900.2); c.2477C>T, p.Ala826Val (NM_001354901.2); and 5 more; short protein forms A602V, A725V, A759V, A794V, A844V, A895V, A903V, A860V.
Identifiers: ClinVar variation 907305 (VCV000907305.6), dbSNP rs1765236541, ClinGen allele CA16027129.

ClinVar aggregate classification (germline): Uncertain significance. Review status: criteria provided, multiple submitters, no conflicts (2 of 4 stars). 3 submissions from 3 submitters: Uncertain significance (3). Last evaluated 2024-03-14.

Conditions:
Hereditary cancer-predisposing syndrome. Also called: Hereditary Cancer Syndrome; Hereditary neoplastic syndrome; Neoplastic Syndromes, Hereditary; Tumor predisposition. Identifiers: Orphanet 140162, MedGen C0027672, MeSH D009386, MONDO:0015356.
Familial adenomatous polyposis 1 (FAP1). Also called: POLYPOSIS, ADENOMATOUS INTESTINAL; FAMILIAL ADENOMATOUS POLYPOSIS 1, ATTENUATED. Identifiers: MedGen C2713442, MONDO:0021056, OMIM 175100. Disease mechanism: loss of function.
APC-Associated Polyposis Disorders.

Submissions (3):

Ambry Genetics
Classification: Uncertain significance for Hereditary cancer-predisposing syndrome. Last evaluated: 2024-03-14. Review status: criteria provided, single submitter. Criteria: Ambry Variant Classification Scheme 2023. Collection method: clinical testing. Allele origin: germline.
Comment: The p.A885V variant (also known as c.2654C>T), located in coding exon 15 of the APC gene, results from a C to T substitution at nucleotide position 2654. The alanine at codon 885 is replaced by valine, an amino acid with similar properties. This amino acid position is highly conserved in available vertebrate species. In addition, in silico predictors for this gene do not accurately predict pathogenicity. Based on the available evidence, the clinical significance of this alteration remains unclear.

Baylor Genetics
Classification: Uncertain significance for Familial adenomatous polyposis 1. Last evaluated: 2023-10-26. Review status: criteria provided, single submitter. Criteria: ACMG Guidelines, 2015. Collection method: clinical testing. Allele origin: unknown.

Illumina Laboratory Services, Illumina
Classification: Uncertain significance for APC-Associated Polyposis Disorders. Last evaluated: 2018-01-12. Review status: criteria provided, single submitter. Criteria: ICSL Variant Classification Criteria 13 December 2019. Collection method: clinical testing. Allele origin: germline.